The following is an entry in ClinVar:

ClinVar aggregate classification (germline): Uncertain significance (1 of 4 stars; one submission).

Conditions:
Gorlin syndrome. Also called: Basal cell nevus syndrome; Nevoid Basal Cell Carcinoma Syndrome. Identifiers: Orphanet 377, MedGen C0004779, MONDO:0007187.

Submission:

Labcorp Genetics (formerly Invitae), Labcorp
Classification: Uncertain significance for Gorlin syndrome. Last evaluated: 2022-01-26. Review status: criteria provided, single submitter. Criteria: Invitae Variant Classification Sherloc (09022015). Collection method: clinical testing. Allele origin: germline.
Comment: In summary, the available evidence is currently insufficient to determine the role of this variant in disease. Therefore, it has been classified as a Variant of Uncertain Significance. Algorithms developed to predict the effect of missense changes on protein structure and function are either unavailable or do not agree on the potential impact of this missense change (SIFT: "Tolerated"; PolyPhen-2: "Probably Damaging"; Align-GVGD: "Class C0"). This variant has not been reported in the literature in individuals affected with PTCH1-related conditions. This variant is not present in population databases (gnomAD no frequency). This sequence change replaces threonine, which is neutral and polar, with alanine, which is neutral and non-polar, at codon 1097 of the PTCH1 protein (p.Thr1097Ala).

NM_000264.5(PTCH1):c.3289A>G (p.Thr1097Ala)

Gene: PTCH1 (patched 1; minus strand). Cytogenetic location: 9q22.32.
Variant type: single nucleotide variant.
Coding change: c.3289A>G on transcript NM_000264.5 (MANE Select); coding-DNA position 3289, A replaced by G.
Protein change: p.Thr1097Ala; replaces threonine 1097 with alanine.
Molecular consequence: missense variant. On other transcripts: non-coding transcript variant (1).
Genome position (GRCh38, 1-based): chr9:95,456,293, T>C on the plus strand (A>G on the coding strand, the complement: PTCH1 is on the minus strand). VCF-style: chr9-95456293-T-C. GRCh37 (hg19) VCF-style: chr9-98218575-T-C.
Other names: c.3091A>G, p.Thr1031Ala (NM_001083602.3); c.3286A>G, p.Thr1096Ala (NM_001083603.3); c.2836A>G, p.Thr946Ala (NM_001083604.3, NM_001083605.3, NM_001083606.3 and 1 more transcripts); c.3133A>G, p.Thr1045Ala (NM_001354918.2); short protein forms T1031A, T1096A, T1045A, T946A, T1097A.
Identifiers: ClinVar variation 2089713 (VCV002089713.4), dbSNP rs2136647508, ClinGen allele CA374111984.